The following is an entry in ClinVar:

NM_004370.6(COL12A1):c.439G>A (p.Gly147Ser)

Gene: COL12A1 (collagen type XII alpha 1 chain; minus strand). Cytogenetic location: 6q13.
Variant type: single nucleotide variant.
Coding change: c.439G>A on transcript NM_004370.6 (MANE Select); coding-DNA position 439, G replaced by A.
Protein change: p.Gly147Ser; replaces glycine 147 with serine.
Molecular consequence: missense variant. On other transcripts: intron variant (2).
Genome position (GRCh38, 1-based): chr6:75,189,771, C>T on the plus strand (G>A on the coding strand, the complement: COL12A1 is on the minus strand). VCF-style: chr6-75189771-C-T. GRCh37 (hg19) VCF-style: chr6-75899487-C-T.
Other names: c.439G>A, p.Gly147Ser (NM_001424113.1, NM_001424114.1, NM_001424115.1); c.73+12949G>A (NM_001424116.1, NM_080645.3); short protein forms G147S.
Identifiers: ClinVar variation 4847382 (VCV004847382.1).
Genomic context (GRCh38, chr6:75,189,771, plus strand): 5'-CAAGAGCAGCAATGAAGTCTAAAATGTACTTGAAATTATTTCTTCCCACACTCCAAGAGC[C>T]ATCCACGAGGAAAACCAAATCAGTCCAGGCACTGACAGAGCATTCTGAAATACATTTGAT-3'
Protein context (NP_004361.3, residues 137-157): AWTDLVFLVD[Gly147Ser]SWSVGRNNFK

ClinVar aggregate classification (germline): Uncertain significance (1 of 4 stars; one submission).

Submission:

Women's Health and Genetics/Laboratory Corporation of America, LabCorp
Classification: Uncertain significance. Last evaluated: 2026-03-09. Review status: criteria provided, single submitter. Criteria: LabCorp Variant Classification Summary - May 2015. Collection method: clinical testing. Allele origin: germline.
Comment: Variant summary: COL12A1 c.439G>A (p.Gly147Ser) results in a non-conservative amino acid change in the encoded protein sequence. Algorithms developed to predict the effect of missense changes on protein structure and function all suggest that this variant is likely to be disruptive. The variant was absent in 248910 control chromosomes. The available data on variant occurrences in the general population are insufficient to allow any conclusion about variant significance. To our knowledge, no occurrence of c.439G>A in individuals affected with COL12A1-related conditions and no experimental evidence demonstrating its impact on protein function have been reported. No submitters have cited clinical-significance assessments for this variant to ClinVar. Based on the evidence outlined above, the variant was classified as uncertain significance.